The following is an entry in ClinVar:

ClinVar aggregate classification (germline): Uncertain significance. Review status: criteria provided, multiple submitters, no conflicts (2 of 4 stars). 2 submissions from 2 submitters: Uncertain significance (2). Last evaluated 2025-10-29.

Conditions:
Charcot-Marie-Tooth disease type 2. Also called: Charcot-Marie-Tooth type 2. Identifiers: Orphanet 64746, MedGen C0270914, MONDO:0018993.
Inborn genetic diseases. Identifiers: MedGen C0950123, MeSH D030342.

Allele frequency attached by ClinVar (database versions not stated): gnomAD exomes 0.00001; TOPMed 0.00001; ESP Exome Variant Server 0.00008; gnomAD 0.00001; ExAC 0.00002.
gnomAD v4.1: 11 of 1,613,992 alleles (0.00068%); highest among the groups gnomAD compares: African/African-American, 0.0027%; no homozygotes.

Submissions (2):

Ambry Genetics
Classification: Uncertain significance for Inborn genetic diseases. Last evaluated: 2025-10-29. Review status: criteria provided, single submitter. Criteria: Ambry Variant Classification Scheme 2023. Collection method: clinical testing. Allele origin: germline.

Labcorp Genetics (formerly Invitae), Labcorp
Classification: Uncertain significance for Charcot-Marie-Tooth disease type 2. Last evaluated: 2024-06-25. Review status: criteria provided, single submitter. Criteria: Invitae Variant Classification Sherloc (09022015). Collection method: clinical testing. Allele origin: germline.
Comment: This sequence change replaces aspartic acid, which is acidic and polar, with asparagine, which is neutral and polar, at codon 193 of the AARS protein (p.Asp193Asn). The frequency data for this variant in the population databases is considered unreliable, as metrics indicate poor data quality at this position in the gnomAD database. This variant has not been reported in the literature in individuals affected with AARS-related conditions. ClinVar contains an entry for this variant (Variation ID: 543170). Advanced modeling of protein sequence and biophysical properties (such as structural, functional, and spatial information, amino acid conservation, physicochemical variation, residue mobility, and thermodynamic stability) has been performed at Invitae for this missense variant, however the output from this modeling did not meet the statistical confidence thresholds required to predict the impact of this variant on AARS protein function. In summary, the available evidence is currently insufficient to determine the role of this variant in disease. Therefore, it has been classified as a Variant of Uncertain Significance.

NM_001605.3(AARS1):c.577G>A (p.Asp193Asn)

Gene: AARS1 (alanyl-tRNA synthetase 1; minus strand). Cytogenetic location: 16q22.1.
Variant type: single nucleotide variant.
Coding change: c.577G>A on transcript NM_001605.3 (MANE Select); coding-DNA position 577, G replaced by A.
Protein change: p.Asp193Asn; replaces aspartic acid 193 with asparagine.
Molecular consequence: missense variant.
Genome position (GRCh38, 1-based): chr16:70,271,875, C>T on the plus strand (G>A on the coding strand, the complement: AARS1 is on the minus strand). VCF-style: chr16-70271875-C-T. GRCh37 (hg19) VCF-style: chr16-70305778-C-T.
Other names: short protein forms D193N.
Identifiers: ClinVar variation 543170 (VCV000543170.6), dbSNP rs376700046, ClinGen allele CA8141099.